The following is an entry in ClinVar:

NM_014874.4(MFN2):c.1936G>C (p.Val646Leu)

Gene: MFN2 (mitofusin 2; plus strand). Cytogenetic location: 1p36.22.
Variant type: single nucleotide variant.
Coding change: c.1936G>C on transcript NM_014874.4 (MANE Select); coding-DNA position 1936, G replaced by C.
Protein change: p.Val646Leu; replaces valine 646 with leucine.
Molecular consequence: missense variant.
Genome position (GRCh38, 1-based): chr1:12,007,116, G>C. VCF-style: chr1-12007116-G-C. GRCh37 (hg19) VCF-style: chr1-12067173-G-C.
Other names: c.1936G>C, p.Val646Leu (NM_001127660.2); short protein forms V646L.
Identifiers: ClinVar variation 843325 (VCV000843325.10), dbSNP rs754683866, ClinGen allele CA338450793.

ClinVar aggregate classification (germline): Uncertain significance. Review status: criteria provided, multiple submitters, no conflicts (2 of 4 stars). 2 submissions from 2 submitters: Uncertain significance (2). Last evaluated 2022-07-26.

Conditions:
Charcot-Marie-Tooth disease type 2. Also called: Charcot-Marie-Tooth type 2. Identifiers: Orphanet 64746, MedGen C0270914, MONDO:0018993.

gnomAD v4.1: 1 of 1,614,210 alleles (0.000062%); highest among the groups gnomAD compares: Non-Finnish European, 0.000085%; no homozygotes.

Submissions (2):

Blueprint Genetics
Classification: Uncertain significance. Last evaluated: 2022-07-26. Review status: criteria provided, single submitter. Criteria: ACMG Guidelines, 2015. Collection method: clinical testing. Allele origin: germline.

Labcorp Genetics (formerly Invitae), Labcorp
Classification: Uncertain significance for Charcot-Marie-Tooth disease type 2. Last evaluated: 2022-07-06. Review status: criteria provided, single submitter. Criteria: Invitae Variant Classification Sherloc (09022015). Collection method: clinical testing. Allele origin: germline.
Comment: This sequence change replaces valine, which is neutral and non-polar, with leucine, which is neutral and non-polar, at codon 646 of the MFN2 protein (p.Val646Leu). This variant is not present in population databases (gnomAD no frequency). This variant has not been reported in the literature in individuals affected with MFN2-related conditions. ClinVar contains an entry for this variant (Variation ID: 843325). Advanced modeling of protein sequence and biophysical properties (such as structural, functional, and spatial information, amino acid conservation, physicochemical variation, residue mobility, and thermodynamic stability) performed at Invitae indicates that this missense variant is not expected to disrupt MFN2 protein function. In summary, the available evidence is currently insufficient to determine the role of this variant in disease. Therefore, it has been classified as a Variant of Uncertain Significance.